The following is an entry in ClinVar:

NM_000431.4(MVK):c.78+61A>G

Gene: MVK (mevalonate kinase; plus strand). Cytogenetic location: 12q24.11.
Variant type: single nucleotide variant.
Coding change: c.78+61A>G on transcript NM_000431.4 (MANE Select); 61 bases into the intron after coding-DNA position 78, A replaced by G.
Molecular consequence: intron variant.
Genome position (GRCh38, 1-based): chr12:109,574,961, A>G. VCF-style: chr12-109574961-A-G. GRCh37 (hg19) VCF-style: chr12-110012766-A-G.
Other names: c.78+61A>G (NM_001301182.2, NM_001114185.3).
Identifiers: ClinVar variation 439924 (VCV000439924.15), dbSNP rs61940512, ClinGen allele CA16455713.

ClinVar aggregate classification (germline): Benign. Review status: criteria provided, multiple submitters, no conflicts (2 of 4 stars). 4 submissions from 4 submitters: Benign (4). Last evaluated 2023-11-12.

Allele frequency attached by ClinVar (database versions not stated): gnomAD exomes 0.08741; ESP Exome Variant Server 0.12199; gnomAD 0.12856 and 0.13119; TOPMed 0.13523; 1000 Genomes Project 0.14217; 1000 Genomes Project 30x 0.14225.
gnomAD v4.1: 137,392 of 1,500,248 alleles (9.2%); highest among the groups gnomAD compares: African/African-American, 24%; 7,402 homozygotes.

Submissions (4):

Unidad de Genómica Garrahan, Hospital de Pediatría Garrahan
Classification: Benign. Last evaluated: 2023-11-12. Review status: criteria provided, single submitter. Criteria: ACMG Guidelines, 2015. Collection method: clinical testing. Allele origin: germline. Affected: no. Observed: 23 variant alleles.
Comment: This variant is classified as Benign based on local population frequency. This variant was detected in 24% of patients studied by a panel of primary immunodeficiencies. Number of patients: 23. Only high quality variants are reported.

ARUP Laboratories, Molecular Genetics and Genomics, ARUP Laboratories
Classification: Benign. Last evaluated: 2018-07-07. Review status: criteria provided, single submitter. Criteria: ARUP Molecular Germline Variant Investigation Process. Collection method: clinical testing. Allele origin: germline.

GeneDx
Classification: Benign. Last evaluated: 2015-03-03. Review status: criteria provided, single submitter. Criteria: GeneDx Variant Classification Process June 2021. Collection method: clinical testing. Allele origin: germline. Affected: yes.

Breakthrough Genomics
Classification: Benign. Review status: criteria provided, single submitter. Criteria: ACMG Guidelines, 2015. Collection method: not provided. Allele origin: germline. Inheritance: Autosomal recessive inheritance. Affected: yes.